The following is an entry in ClinVar:

ClinVar aggregate classification (germline): Uncertain significance (1 of 4 stars; one submission).

Submission:

Labcorp Genetics (formerly Invitae), Labcorp
Classification: Uncertain significance. Last evaluated: 2022-05-25. Review status: criteria provided, single submitter. Criteria: Invitae Variant Classification Sherloc (09022015). Collection method: clinical testing. Allele origin: germline.
Comment: This sequence change falls in intron 7 of the PIEZO2 gene. It does not directly change the encoded amino acid sequence of the PIEZO2 protein. It affects a nucleotide within the consensus splice site. This variant is not present in population databases (gnomAD no frequency). This variant has not been reported in the literature in individuals affected with PIEZO2-related conditions. Variants that disrupt the consensus splice site are a relatively common cause of aberrant splicing (PMID: 17576681, 9536098). Algorithms developed to predict the effect of sequence changes on RNA splicing suggest that this variant is not likely to affect RNA splicing. In summary, the available evidence is currently insufficient to determine the role of this variant in disease. Therefore, it has been classified as a Variant of Uncertain Significance.

Literature cited by the submitters: PubMed 17576681; PubMed 9536098.

NM_001378183.1(PIEZO2):c.917+5G>C

Gene: PIEZO2 (piezo type mechanosensitive ion channel component 2; minus strand). Cytogenetic location: 18p11.22.
Variant type: single nucleotide variant.
Coding change: c.917+5G>C on transcript NM_001378183.1 (MANE Select); 5 bases into the intron after coding-DNA position 917, G replaced by C.
Molecular consequence: intron variant.
Genome position (GRCh38, 1-based): chr18:10,855,348, C>G on the plus strand (G>C on the coding strand, the complement: PIEZO2 is on the minus strand). VCF-style: chr18-10855348-C-G. GRCh37 (hg19) VCF-style: chr18-10855346-C-G.
Other names: c.917+5G>C (NM_022068.4).
Identifiers: ClinVar variation 1998613 (VCV001998613.4), dbSNP rs2510954844, ClinGen allele CA2580095455.